The following is an entry in ClinVar:

ClinVar aggregate classification (germline): Benign/Likely benign. Review status: criteria provided, multiple submitters, no conflicts (2 of 4 stars). 2 submissions from 2 submitters: Benign (1); Likely benign (1). Last evaluated 2026-08-01.

Allele frequency attached by ClinVar (database versions not stated): TOPMed 0.00002; gnomAD 0.00003; gnomAD exomes 0.00008; ExAC 0.00021.
gnomAD v4.1: 90 of 1,182,115 alleles (0.0076%); highest among the groups gnomAD compares: South Asian, 0.12%; no homozygotes.

Submissions (2):

CeGaT Center for Human Genetics Tuebingen
Classification: Likely benign. Last evaluated: 2026-08-01. Review status: criteria provided, single submitter. Criteria: CeGaT Center For Human Genetics Tuebingen Variant Classification Criteria Version 2. Collection method: clinical testing. Allele origin: germline. Affected: yes. Observed: 1 variant allele.
Comment: POLA1: BP4, BS2

Labcorp Genetics (formerly Invitae), Labcorp
Classification: Benign. Last evaluated: 2025-04-09. Review status: criteria provided, single submitter. Criteria: Invitae Variant Classification Sherloc (09022015). Collection method: clinical testing. Allele origin: germline.

NM_001330360.2(POLA1):c.691C>T (p.Arg231Cys)

Gene: POLA1 (DNA polymerase alpha 1, catalytic subunit; plus strand). Cytogenetic location: Xp22.11.
Variant type: single nucleotide variant.
Coding change: c.691C>T on transcript NM_001330360.2 (MANE Select); coding-DNA position 691, C replaced by T.
Protein change: p.Arg231Cys; replaces arginine 231 with cysteine.
Molecular consequence: missense variant. On other transcripts: non-coding transcript variant (2).
Genome position (GRCh38, 1-based): chrX:24,716,956, C>T. VCF-style: chrX-24716956-C-T. GRCh37 (hg19) VCF-style: chrX-24735073-C-T.
Other names: c.691C>T, p.Arg231Cys (NM_001378303.1); c.673C>T, p.Arg225Cys (NM_016937.4); short protein forms R231C, R225C.
Identifiers: ClinVar variation 2075112 (VCV002075112.5), dbSNP rs750378412, ClinGen allele CA10372838.